The following is an entry in ClinVar:

ClinVar aggregate classification (germline): Uncertain significance (1 of 4 stars; one submission).

Conditions:
Inborn genetic diseases. Identifiers: MedGen C0950123, MeSH D030342.

Submission:

Ambry Genetics
Classification: Uncertain significance for Inborn genetic diseases. Last evaluated: 2025-02-08. Review status: criteria provided, single submitter. Criteria: Ambry Variant Classification Scheme 2023. Collection method: clinical testing. Allele origin: germline.
Comment: The p.L1075F variant (also known as c.3225G>C), located in coding exon 15 of the MECOM gene, results from a G to C substitution at nucleotide position 3225. The leucine at codon 1075 is replaced by phenylalanine, an amino acid with highly similar properties. This amino acid position is conserved. In addition, this alteration is predicted to be tolerated by in silico analysis. Based on the available evidence, the clinical significance of this variant remains unclear.

NM_004991.4(MECOM):c.3225G>C (p.Leu1075Phe)

Gene: MECOM (MDS1 and EVI1 complex locus; minus strand). Cytogenetic location: 3q26.2.
Variant type: single nucleotide variant.
Coding change: c.3225G>C on transcript NM_004991.4 (MANE Select); coding-DNA position 3225, G replaced by C.
Protein change: p.Leu1075Phe; replaces leucine 1075 with phenylalanine.
Molecular consequence: missense variant.
Genome position (GRCh38, 1-based): chr3:169,090,176, C>G on the plus strand (G>C on the coding strand, the complement: MECOM is on the minus strand). VCF-style: chr3-169090176-C-G. GRCh37 (hg19) VCF-style: chr3-168807964-C-G.
Other names: c.2856G>C, p.Leu952Phe (NM_001105077.4); c.2661G>C, p.Leu887Phe (NM_001105078.4, NM_001205194.2, NM_001366469.2 and 1 more transcripts); c.2637G>C, p.Leu879Phe (NM_001163999.2, NM_001366470.2); c.2634G>C, p.Leu878Phe (NM_001164000.2, NM_001366471.2, NM_001366472.2); c.3198G>C, p.Leu1066Phe (NM_001366466.2); c.2664G>C, p.Leu888Phe (NM_001366467.2, NM_001366468.2); c.2226G>C, p.Leu742Phe (NM_001366473.2); c.1662G>C, p.Leu554Phe (NM_001366474.2); short protein forms L1075F, L742F, L878F, L888F, L1066F, L879F, L887F, L952F.
Identifiers: ClinVar variation 3871816 (VCV003871816.1).